The following is an entry in ClinVar:

Conditions:
Long QT syndrome 5 (LQT5). Identifiers: Orphanet 101016, Orphanet 768, MedGen C1867904, MONDO:0013372, OMIM 613695.

Submission:

Roden Lab, Vanderbilt University Medical Center
No classification provided (evidence only). Condition: Long QT syndrome 5. Review status: no classification provided. Collection method: in vitro. Allele origin: not applicable. Functional consequence: Effect on ion channel function.
ClinVar note: "not provided" was previously submitted as the classification for the variant. However, the classification appeared to be based only on an observation of functional data so it was converted to no classification on 2025-07-30.

NM_000219.6(KCNE1):c.276G>C (p.Lys92Asn)

Gene: KCNE1 (potassium voltage-gated channel subfamily E regulatory subunit 1; minus strand). Cytogenetic location: 21q22.12.
Variant type: single nucleotide variant.
Coding change: c.276G>C on transcript NM_000219.6 (MANE Select); coding-DNA position 276, G replaced by C.
Protein change: p.Lys92Asn; replaces lysine 92 with asparagine.
Molecular consequence: missense variant.
Genome position (GRCh38, 1-based): chr21:34,449,359, C>G on the plus strand (G>C on the coding strand, the complement: KCNE1 is on the minus strand). VCF-style: chr21-34449359-C-G. GRCh37 (hg19) VCF-style: chr21-35821657-C-G.
Other names: c.276G>C, p.Lys92Asn (NM_001127668.4, NM_001127669.4, NM_001127670.4 and 4 more transcripts); short protein forms K92N.
Identifiers: ClinVar variation 3374508 (VCV003374508.2).